The following is an entry in ClinVar:

ClinVar aggregate classification (germline): Uncertain significance (1 of 4 stars; one submission).

Allele frequency attached by ClinVar (database versions not stated): gnomAD 0.00001; gnomAD exomes 0.00001.
gnomAD v4.1: 4 of 1,614,008 alleles (0.00025%); highest among the groups gnomAD compares: Non-Finnish European, 0.00034%; no homozygotes.

Submission:

Women's Health and Genetics/Laboratory Corporation of America, LabCorp
Classification: Uncertain significance. Last evaluated: 2023-09-26. Review status: criteria provided, single submitter. Criteria: LabCorp Variant Classification Summary - May 2015. Collection method: clinical testing. Allele origin: germline.
Comment: Variant summary: FLNC c.4150G>A (p.Gly1384Ser) results in a non-conservative amino acid change in the encoded protein sequence. Four of five in-silico tools predict a damaging effect of the variant on protein function. The variant allele was found at a frequency of 4e-06 in 249250 control chromosomes (gnomAD). The available data on variant occurrences in the general population are insufficient to allow any conclusion about variant significance. To our knowledge, no occurrence of c.4150G>A in individuals affected with Cardiomyopathy and no experimental evidence demonstrating its impact on protein function have been reported. No submitters have cited clinical-significance assessments for this variant to ClinVar after 2014. Based on the evidence outlined above, the variant was classified as uncertain significance.

NM_001458.5(FLNC):c.4150G>A (p.Gly1384Ser)

Gene: FLNC (filamin C; plus strand). Cytogenetic location: 7q32.1.
Variant type: single nucleotide variant.
Coding change: c.4150G>A on transcript NM_001458.5 (MANE Select); coding-DNA position 4150, G replaced by A.
Protein change: p.Gly1384Ser; replaces glycine 1384 with serine.
Molecular consequence: missense variant.
Genome position (GRCh38, 1-based): chr7:128,846,767, G>A. VCF-style: chr7-128846767-G-A. GRCh37 (hg19) VCF-style: chr7-128486821-G-A.
Other names: c.4150G>A, p.Gly1384Ser (NM_001127487.2); short protein forms G1384S.
Identifiers: ClinVar variation 2627322 (VCV002627322.1), dbSNP rs1342547221, ClinGen allele CA369200403.